The following is an entry in ClinVar:

ClinVar aggregate classification (germline): Uncertain significance (1 of 4 stars; one submission).

Conditions:
Familial thoracic aortic aneurysm and aortic dissection (TAAD). Also called: Thoracic aortic aneurysms and dissections. Identifiers: Orphanet 91387, MedGen C4707243, MONDO:0019625.

gnomAD v4.1: 3 of 1,613,898 alleles (0.00019%); highest among the groups gnomAD compares: Non-Finnish European, 0.00025%; no homozygotes.

Submission:

Ambry Genetics
Classification: Uncertain significance for Familial thoracic aortic aneurysm and aortic dissection. Last evaluated: 2024-12-24. Review status: criteria provided, single submitter. Criteria: Ambry Variant Classification Scheme 2023. Collection method: clinical testing. Allele origin: germline.
Comment: The p.P2116R variant (also known as c.6347C>G), located in coding exon 50 of the FBN2 gene, results from a C to G substitution at nucleotide position 6347. The proline at codon 2116 is replaced by arginine, an amino acid with dissimilar properties. This amino acid position is highly conserved in available vertebrate species. In addition, this alteration is predicted to be deleterious by in silico analysis. Based on the available evidence, the clinical significance of this variant remains unclear.

NM_001999.4(FBN2):c.6347C>G (p.Pro2116Arg)

Gene: FBN2 (fibrillin 2; minus strand). Cytogenetic location: 5q23.3.
Variant type: single nucleotide variant.
Coding change: c.6347C>G on transcript NM_001999.4 (MANE Select); coding-DNA position 6347, C replaced by G.
Protein change: p.Pro2116Arg; replaces proline 2116 with arginine.
Molecular consequence: missense variant.
Genome position (GRCh38, 1-based): chr5:128,290,830, G>C on the plus strand (C>G on the coding strand, the complement: FBN2 is on the minus strand). VCF-style: chr5-128290830-G-C. GRCh37 (hg19) VCF-style: chr5-127626522-G-C.
Other names: short protein forms P2116R.
Identifiers: ClinVar variation 3849197 (VCV003849197.1).